The following is an entry in ClinVar:

ClinVar aggregate classification (germline): Uncertain significance (1 of 4 stars; one submission).

Submission:

GeneDx
Classification: Uncertain significance. Last evaluated: 2022-05-25. Review status: criteria provided, single submitter. Criteria: GeneDx Variant Classification Process June 2021. Collection method: clinical testing. Allele origin: germline. Affected: yes.
Comment: Not observed at significant frequency in large population cohorts (gnomAD); In silico analysis supports that this missense variant does not alter protein structure/function; Has not been previously published as pathogenic or benign to our knowledge

NM_001282531.3(ADNP):c.204C>A (p.Asp68Glu)

Gene: ADNP (activity dependent neuroprotector homeobox; minus strand). Cytogenetic location: 20q13.13.
Variant type: single nucleotide variant.
Coding change: c.204C>A on transcript NM_001282531.3 (MANE Select); coding-DNA position 204, C replaced by A.
Protein change: p.Asp68Glu; replaces aspartic acid 68 with glutamic acid.
Molecular consequence: missense variant.
Genome position (GRCh38, 1-based): chr20:50,894,510, G>T on the plus strand (C>A on the coding strand, the complement: ADNP is on the minus strand). VCF-style: chr20-50894510-G-T. GRCh37 (hg19) VCF-style: chr20-49511047-G-T.
Other names: c.204C>A, p.Asp68Glu (NM_001282532.2, NM_001347511.2, NM_015339.5 and 1 more transcripts); short protein forms D68E.
Identifiers: ClinVar variation 1800822 (VCV001800822.1), dbSNP rs2515593090, ClinGen allele CA408979946.